The following is an entry in ClinVar:

NM_001999.4(FBN2):c.5447C>T (p.Pro1816Leu)

Gene: FBN2 (fibrillin 2; minus strand). Cytogenetic location: 5q23.3.
Variant type: single nucleotide variant.
Coding change: c.5447C>T on transcript NM_001999.4 (MANE Select); coding-DNA position 5447, C replaced by T.
Protein change: p.Pro1816Leu; replaces proline 1816 with leucine.
Molecular consequence: missense variant.
Genome position (GRCh38, 1-based): chr5:128,305,924, G>A on the plus strand (C>T on the coding strand, the complement: FBN2 is on the minus strand). VCF-style: chr5-128305924-G-A. GRCh37 (hg19) VCF-style: chr5-127641616-G-A.
Other names: short protein forms P1816L.
Identifiers: ClinVar variation 213414 (VCV000213414.25), dbSNP rs149537608, ClinGen allele CA325435.

ClinVar aggregate classification (germline): Conflicting classifications of pathogenicity. Review status: criteria provided, conflicting classifications (1 of 4 stars). 7 submissions from 7 submitters: Uncertain significance (3); Likely benign (4). Last evaluated 2026-09-01.

Conditions:
Familial thoracic aortic aneurysm and aortic dissection (TAAD). Also called: Thoracic aortic aneurysms and dissections. Identifiers: Orphanet 91387, MedGen C4707243, MONDO:0019625.
Congenital contractural arachnodactyly (CCA). Also called: Arthrogryposis, distal, type 9; Beals-Hecht syndrome; BEALS SYNDROME. Identifiers: Orphanet 115, MedGen C0220668, MONDO:0007363, OMIM 121050.

Allele frequency attached by ClinVar (database versions not stated): gnomAD exomes 0.00004 and 0.00010; TOPMed 0.00006; gnomAD 0.00007; ExAC 0.00010; ESP Exome Variant Server 0.00015.
gnomAD v4.1: 80 of 1,613,430 alleles (0.005%); highest among the groups gnomAD compares: Non-Finnish European, 0.001%; no homozygotes.

Submissions (7):

CeGaT Center for Human Genetics Tuebingen
Classification: Uncertain significance. Last evaluated: 2026-09-01. Review status: criteria provided, single submitter. Criteria: CeGaT Center For Human Genetics Tuebingen Variant Classification Criteria Version 2. Collection method: clinical testing. Allele origin: germline. Affected: yes. Observed: 1 variant allele.
Comment: FBN2: PP3

Labcorp Genetics (formerly Invitae), Labcorp
Classification: Likely benign for Congenital contractural arachnodactyly. Last evaluated: 2026-01-27. Review status: criteria provided, single submitter. Criteria: Invitae Variant Classification Sherloc (09022015). Collection method: clinical testing. Allele origin: germline.

Ambry Genetics
Classification: Likely benign for Familial thoracic aortic aneurysm and aortic dissection. Last evaluated: 2024-11-13. Review status: criteria provided, single submitter. Criteria: Ambry Variant Classification Scheme 2023. Collection method: clinical testing. Allele origin: germline.

Blueprint Genetics
Classification: Likely benign. Last evaluated: 2024-06-12. Review status: criteria provided, single submitter. Criteria: ACMG Guidelines, 2015. Collection method: clinical testing. Allele origin: germline.

GeneDx
Classification: Uncertain significance. Last evaluated: 2024-04-11. Review status: criteria provided, single submitter. Criteria: GeneDx Variant Classification Process June 2021. Collection method: clinical testing. Allele origin: germline. Affected: yes.
Comment: Has not been previously published as pathogenic or benign to our knowledge; In silico analysis supports that this missense variant has a deleterious effect on protein structure/function; This variant is associated with the following publications: (PMID: 19006240, 18767143)

ARUP Laboratories, Molecular Genetics and Genomics, ARUP Laboratories
Classification: Uncertain significance. Last evaluated: 2019-04-15. Review status: criteria provided, single submitter. Criteria: ARUP Molecular Germline Variant Investigation Process. Collection method: clinical testing. Allele origin: germline.
Comment: The FBN2 c.5447C>T; p.Pro1816Leu variant (rs149537608), to our knowledge, is not described in the medical literature but contains an entry in ClinVar (Variation ID: 213414). It is observed in the general population at an overall frequency of 0.01% (26/251280 alleles) with increased frequency in the Ashkenazi Jewish population (0.21%) in the Genome Aggregation Database. The proline at codon 1816 is highly conserved, and computational algorithms (PolyPhen-2, SIFT) predict that this variant is deleterious. However, due to the lack of clinical and functional data regarding this variant, its clinical significance cannot be determined with certainty.

Illumina Laboratory Services, Illumina
Classification: Likely benign for Congenital contractural arachnodactyly. Last evaluated: 2018-01-13. Review status: criteria provided, single submitter. Criteria: ICSL Variant Classification Criteria 13 December 2019. Collection method: clinical testing. Allele origin: germline.
Comment: This variant was observed in the ICSL laboratory as part of a predisposition screen in an ostensibly healthy population. It had not been previously curated by ICSL or reported in the Human Gene Mutation Database (HGMD: prior to June 1st, 2018), and was therefore a candidate for classification through an automated scoring system. Utilizing variant allele frequency, disease prevalence and penetrance estimates, and inheritance mode, an automated score was calculated to assess if this variant is too frequent to cause the disease. Based on the score and internal cut-off values, a variant classified as likely benign is not then subjected to further curation. The score for this variant resulted in a classification of likely benign for this disease.